The following is an entry in ClinVar:

ClinVar aggregate classification (germline): Uncertain significance. Review status: criteria provided, multiple submitters, no conflicts (2 of 4 stars). 3 submissions from 3 submitters: Uncertain significance (2). 1 of the submissions does not count toward it. Last evaluated 2024-02-17.

Conditions:
Hereditary insensitivity to pain with anhidrosis (CIPA). Also called: NEUROPATHY, CONGENITAL SENSORY, WITH ANHIDROSIS; INSENSITIVITY TO PAIN, CONGENITAL, WITH ANHIDROSIS; HSAN Type IV; NTRK1 Congenital Insensitivity to Pain with Anhidrosis; hereditary sensory and autonomic neuropathy type 4; FAMILIAL DYSAUTONOMIA, TYPE II. Identifiers: Orphanet 642, MedGen C0020074, MONDO:0009746, OMIM 256800.
Inborn genetic diseases. Identifiers: MedGen C0950123, MeSH D030342.

Allele frequency attached by ClinVar (database versions not stated): gnomAD exomes below 0.00001 and 0.00002; gnomAD 0.00001; ExAC 0.00002; TOPMed 0.00002.
gnomAD v4.1: 3 of 1,612,964 alleles (0.00019%); highest among the groups gnomAD compares: East Asian, 0.0067%; no homozygotes.

Submissions (3):

Ambry Genetics
Classification: Uncertain significance for Inborn genetic diseases. Last evaluated: 2024-02-17. Review status: criteria provided, single submitter. Criteria: Ambry Variant Classification Scheme 2023. Collection method: clinical testing. Allele origin: germline.

Labcorp Genetics (formerly Invitae), Labcorp
Classification: Uncertain significance for Hereditary insensitivity to pain with anhidrosis. Last evaluated: 2021-08-28. Review status: criteria provided, single submitter. Criteria: Invitae Variant Classification Sherloc (09022015). Collection method: clinical testing. Allele origin: germline.
Comment: This sequence change replaces glutamine with arginine at codon 489 of the NTRK1 protein (p.Gln489Arg). The glutamine residue is highly conserved and there is a small physicochemical difference between glutamine and arginine. This variant is present in population databases (rs762948862, ExAC 0.02%). This variant has not been reported in the literature in individuals affected with NTRK1-related conditions. Algorithms developed to predict the effect of missense changes on protein structure and function (SIFT, PolyPhen-2, Align-GVGD) all suggest that this variant is likely to be disruptive. In summary, the available evidence is currently insufficient to determine the role of this variant in disease. Therefore, it has been classified as a Variant of Uncertain Significance.

Natera, Inc.
Classification: Uncertain significance for Hereditary insensitivity to pain with anhidrosis. Last evaluated: 2021-02-02. Review status: no assertion criteria provided. Collection method: clinical testing. Allele origin: germline. Not counted in ClinVar's aggregate classification.

NM_002529.4(NTRK1):c.1484A>G (p.Gln495Arg)

Gene: NTRK1 (neurotrophic receptor tyrosine kinase 1; plus strand). Cytogenetic location: 1q23.1.
Variant type: single nucleotide variant.
Coding change: c.1484A>G on transcript NM_002529.4 (MANE Select); coding-DNA position 1484, A replaced by G.
Protein change: p.Gln495Arg; replaces glutamine 495 with arginine.
Molecular consequence: missense variant.
Genome position (GRCh38, 1-based): chr1:156,875,649, A>G. VCF-style: chr1-156875649-A-G. GRCh37 (hg19) VCF-style: chr1-156845441-A-G.
Other names: c.1376A>G, p.Gln459Arg (NM_001007792.1); c.1466A>G, p.Gln489Arg (NM_001012331.2); short protein forms Q459R, Q489R, Q495R.
Identifiers: ClinVar variation 945904 (VCV000945904.10), dbSNP rs762948862, ClinGen allele CA1169337.
Genomic context (GRCh38, chr1:156,875,649, plus strand): 5'-CCCTGTCCCCCACCGAGGGCAAAGGCTCTGGGCTCCAAGGCCACATCATCGAGAACCCAC[A>G]ATACTTCAGTGATGCCTGTGAGGGGCTATGCTGGGTCAAGGGCAGGGACGAGTGTGTGTG-3'
Protein context (NP_002520.2, residues 485-505): GLQGHIIENP[Gln495Arg]YFSDACVHHI